The following is an entry in ClinVar:

NM_000218.3(KCNQ1):c.727C>T (p.Arg243Cys)

Gene: KCNQ1 (potassium voltage-gated channel subfamily Q member 1; plus strand). Cytogenetic location: 11p15.5.
Variant type: single nucleotide variant.
Coding change: c.727C>T on transcript NM_000218.3 (MANE Select); coding-DNA position 727, C replaced by T.
Protein change: p.Arg243Cys; replaces arginine 243 with cysteine.
Molecular consequence: missense variant.
Genome position (GRCh38, 1-based): chr11:2,572,056, C>T. VCF-style: chr11-2572056-C-T. GRCh37 (hg19) VCF-style: chr11-2593286-C-T.
Other names: c.727C>T (LRG_287t1); c.727C>T, p.Arg243Cys (NM_001406836.1); c.457C>T, p.Arg153Cys (NM_001406837.1); c.346C>T, p.Arg116Cys (NM_181798.2); short protein forms R243C, R116C, R153C.
Identifiers: ClinVar variation 53091 (VCV000053091.22), dbSNP rs199472713, ClinGen allele CA008011.
Genomic context (GRCh38, chr11:2,572,056, plus strand): 5'-CACCATCTCCTTCGCAGGGGCATCCGCTTCCTGCAGATCCTGAGGATGCTACACGTCGAC[C>T]GCCAGGGAGGCACCTGGAGGCTCCTGGGCTCCGTGGTCTTCATCCACCGCCAGGTGGGTG-3'
Protein context (NP_000209.2, residues 233-253): LQILRMLHVD[Arg243Cys]QGGTWRLLGS

ClinVar aggregate classification (germline): Pathogenic/Likely pathogenic. Review status: criteria provided, multiple submitters, no conflicts (2 of 4 stars). 8 submissions from 8 submitters: Pathogenic (6); Likely pathogenic (1). 1 of the submissions does not count toward it. Last evaluated 2026-01-27.

Conditions:
Cardiac arrhythmia. Also called: Arrhythmia; Cardiac rhythm disease. Identifiers: MedGen C0003811, MONDO:0007263, HP:0011675.
Cardiovascular phenotype. Identifiers: MedGen CN230736.
Familial long QT syndrome (RWS). Also called: Congenital long QT syndrome; Romano-Ward syndrome; VENTRICULAR FIBRILLATION WITH PROLONGED QT INTERVAL. Identifiers: Orphanet 768, MedGen C1141890, MONDO:0019171.
Long QT syndrome (LQTS). Identifiers: MedGen C0023976, MeSH D008133, MONDO:0002442. Disease mechanism: loss of function. Inheritance: Various modes of inheritance.
Long QT syndrome 1 (LQT1). Identifiers: Orphanet 101016, Orphanet 768, MedGen C4551647, MONDO:0100316, OMIM 192500, MONDO:0008646.

Allele frequency attached by ClinVar (database versions not stated): gnomAD exomes below 0.00001; TOPMed below 0.00001; ExAC 0.00001; gnomAD 0.00001.

Submissions 1 to 5 of 8:

Labcorp Genetics (formerly Invitae), Labcorp
Classification: Pathogenic for Long QT syndrome. Last evaluated: 2026-01-27. Review status: criteria provided, single submitter. Criteria: Invitae Variant Classification Sherloc (09022015). Collection method: clinical testing. Allele origin: germline.
Comment: This sequence change replaces arginine, which is basic and polar, with cysteine, which is neutral and slightly polar, at codon 243 of the KCNQ1 protein (p.Arg243Cys). This variant is present in population databases (rs199472713, gnomAD 0.0009%). This missense change has been observed in individuals with long QT syndrome (PMID: 10973849, 12877697, 14678125, 15234419, 15466642, 15469540, 15840476, 17470695, 19716085, 19841300, 20167303). ClinVar contains an entry for this variant (Variation ID: 53091). Invitae Evidence Modeling of protein sequence and biophysical properties (such as structural, functional, and spatial information, amino acid conservation, physicochemical variation, residue mobility, and thermodynamic stability) indicates that this missense variant is expected to disrupt KCNQ1 protein function with a positive predictive value of 95%. Experimental studies have shown that this missense change affects KCNQ1 function (PMID: 10409658, 19934648). For these reasons, this variant has been classified as Pathogenic.

Foundation for Research in Genetics and Endocrinology, FRIGE's Institute of Human Genetics
Classification: Pathogenic for Long QT syndrome 1. Last evaluated: 2024-12-17. Review status: criteria provided, single submitter. Criteria: ACMG Guidelines, 2015. Collection method: clinical testing. Allele origin: germline. Inheritance: Autosomal dominant inheritance. Affected: yes. Observed: 1 heterozygote.
Comment: A heterozygous missense variant in exon 5 of the KCNQ1 gene that results in the amino acid substitution of Cystine for Arginine at codon 243 was detected. The observed variant c.727C>T (p.Arg243Cys) has not been reported in the 1000 genomes and has a MAF of 0.0003% in the gnomAD database. The in-silico prediction of the variant is damaging by SIFT, FATHMM, DANN and MutationTaster. This variant has previously been reported in patient affected with long QT syndrome (PMID:18713323). In summary, the variant meets our criteria to be classified as pathogenic.

Ambry Genetics
Classification: Pathogenic for Cardiovascular phenotype. Last evaluated: 2024-11-18. Review status: criteria provided, single submitter. Criteria: Ambry Variant Classification Scheme 2023. Collection method: clinical testing. Allele origin: germline.
Comment: The p.R243C pathogenic mutation (also known as c.727C>T), located in coding exon 5 of the KCNQ1 gene, results from a C to T substitution at nucleotide position 727. The arginine at codon 243 is replaced by cysteine, an amino acid with highly dissimilar properties. This alteration was reported in multiple individuals with features consistent with long QT syndrome (LQTS) (Splawski I et al. Circulation, 2000 Sep;102:1178-85; Shimizu W et al. J. Am. Coll. Cardiol., 2004 Jul;44:117-25; Choi G et al. Circulation, 2004 Oct;110:2119-24; Skinner JR et al. J Paediatr Child Health, 2004 Nov;40:651-3; Tester DJ et al. Heart Rhythm, 2005 May;2:507-17; Moss AJ et al. Circulation, 2007 May;115:2481-9). In multiple assays testing KCNQ1 function, this variant showed functionally abnormal results (Franqueza L et al. J. Biol. Chem., 1999 Jul;274:21063-70; Barsheshet A et al. Circulation, 2012 Apr;125:1988-96; Matavel A et al. Channels (Austin), 2010 Jan;4(1):3-11). Another variant at the same codon, p.R243H (c.728G>A), has been reported in association with LQTS and Jervell and Lange-Nielsen syndrome (Bostan O et al. Pediatr Cardiol, 2013 Feb;34:2063-7; Schwartz PJ et al. Eur Heart J. 2021 Dec;42(46):4743-4755). This amino acid position is highly conserved in available vertebrate species. In addition, this alteration is predicted to be deleterious by in silico analysis. Based on the supporting evidence, this alteration is interpreted as a disease-causing mutation.

GeneDx
Classification: Pathogenic. Last evaluated: 2023-08-31. Review status: criteria provided, single submitter. Criteria: GeneDx Variant Classification Process June 2021. Collection method: clinical testing. Allele origin: germline. Affected: yes.
Comment: Not observed at significant frequency in large population cohorts (gnomAD); In silico analysis supports that this missense variant has a deleterious effect on protein structure/function; Published functional studies demonstrate a loss-of-function effect on channel current and activation (Franqueza et al., 1999; Matavel et al., 2010; Barsheshet et al., 2012; Braun et al., 2021); This variant is associated with the following publications: (PMID: 15234419, 15840476, 27761162, 10973849, 12877697, 14678125, 15466642, 19716085, 17470695, 19934648, 20167303, 19841300, 26318259, 21185501, 19490272, 15469540, 25348405, 29672598, 28600387, 22456477, 36597672, 34505893, 35588786, 34907346, 34425588, 10409658)

Color Diagnostics, LLC DBA Color Health
Classification: Likely pathogenic for Cardiac arrhythmia. Last evaluated: 2022-06-01. Review status: criteria provided, single submitter. Criteria: ACMG Guidelines, 2015. Collection method: clinical testing. Allele origin: germline.
Comment: This missense variant replaces arginine with cysteine at codon 243 in the cytoplasmic linker between transmembrane domains S4 and S5 of the KCNQ1 protein. Computational prediction suggests that this variant may have deleterious impact on protein structure and function (internally defined REVEL score threshold >= 0.7, PMID: 27666373). Functional studies have shown that this variant impairs channel activation and causes channel opening to shift to more positive potentials in vitro (PMID: 10409658, 19934648). This variant has been reported in over ten unrelated individuals affected with long QT syndrome (PMID: 19841300, 26318259, 30686478, 32893267), and in at least three individuals affected with sudden unexplained death (PMID: 28600387, 29672598, 30686478). This variant has been identified in 1/249086 chromosomes in the general population by the Genome Aggregation Database (gnomAD). A different missense variant occurring at the same codon, p.Arg243His, is known to be pathogenic (ClinVar variation ID 53092), indicating that arginine at this position is important for KCNQ1 protein function. Based on the available evidence, this variant is classified as Likely Pathogenic.